The following is an entry in ClinVar:

NM_001184880.2(PCDH19):c.1526A>C (p.Asn509Thr)

Gene: PCDH19 (protocadherin 19; minus strand). Cytogenetic location: Xq22.1.
Variant type: single nucleotide variant.
Coding change: c.1526A>C on transcript NM_001184880.2 (MANE Select); coding-DNA position 1526, A replaced by C.
Protein change: p.Asn509Thr; replaces asparagine 509 with threonine.
Molecular consequence: missense variant.
Genome position (GRCh38, 1-based): chrX:100,407,072, T>G on the plus strand (A>C on the coding strand, the complement: PCDH19 is on the minus strand). VCF-style: chrX-100407072-T-G. GRCh37 (hg19) VCF-style: chrX-99662070-T-G.
Other names: c.1526A>C, p.Asn509Thr (NM_001105243.2, NM_020766.3); short protein forms N509T.
Identifiers: ClinVar variation 4752136 (VCV004752136.1).

ClinVar aggregate classification (germline): Uncertain significance (1 of 4 stars; one submission).

Conditions:
Developmental and epileptic encephalopathy, 9 (DEE9). Also called: Early infantile epileptic encephalopathy 9; EPILEPSY, FEMALE-RESTRICTED, WITH MENTAL RETARDATION; PCDH19-Related X-Linked Female-Limited Epilepsy with Mental Retardation; JUBERG-HELLMAN SYNDROME. Identifiers: Orphanet 101039, Orphanet 2076, MedGen C1848137, MONDO:0010246, OMIM 300088. Disease mechanism: loss of function.

Submission:

Labcorp Genetics (formerly Invitae), Labcorp
Classification: Uncertain significance for Developmental and epileptic encephalopathy, 9. Last evaluated: 2025-10-29. Review status: criteria provided, single submitter. Criteria: Invitae Variant Classification Sherloc (09022015). Collection method: clinical testing. Allele origin: germline.
Comment: This sequence change replaces asparagine, which is neutral and polar, with threonine, which is neutral and polar, at codon 509 of the PCDH19 protein (p.Asn509Thr). This variant is not present in population databases (gnomAD no frequency). This variant has not been reported in the literature in individuals affected with PCDH19-related conditions. Invitae Evidence Modeling of protein sequence and biophysical properties (such as structural, functional, and spatial information, amino acid conservation, physicochemical variation, residue mobility, and thermodynamic stability) has been performed for this missense variant. However, the output from this modeling did not meet the statistical confidence thresholds required to predict the impact of this variant on PCDH19 protein function. In summary, the available evidence is currently insufficient to determine the role of this variant in disease. Therefore, it has been classified as a Variant of Uncertain Significance.